The following is an entry in ClinVar:

NM_001005242.3(PKP2):c.1379-1974G>A

Gene: PKP2 (plakophilin 2; minus strand). Cytogenetic location: 12p11.21.
Variant type: single nucleotide variant.
Coding change: c.1379-1974G>A on transcript NM_001005242.3 (MANE Select); 1974 bases into the intron before coding-DNA position 1379, G replaced by A.
Molecular consequence: intron variant.
Genome position (GRCh38, 1-based): chr12:32,843,179, C>T on the plus strand (G>A on the coding strand, the complement: PKP2 is on the minus strand). VCF-style: chr12-32843179-C-T. GRCh37 (hg19) VCF-style: chr12-32996113-C-T.
Other names: c.1379-1974G>A (NM_001407156.1, NM_001407155.1, NM_001407161.1); c.1510+3G>A (NM_004572.4, NM_001407157.1); c.1052-1974G>A (NM_001407160.1, NM_001407159.1, NM_001407158.1 and 1 more transcripts).
Identifiers: ClinVar variation 4756493 (VCV004756493.1).

ClinVar aggregate classification (germline): Uncertain significance (1 of 4 stars; one submission).

Conditions:
Cardiomyopathy (CMYO). Also called: Cardiomyopathies. Identifiers: Orphanet 167848, MedGen C0878544, MONDO:0004994, HP:0001638. Inheritance: Various modes of inheritance.

Submission:

Color Diagnostics, LLC DBA Color Health
Classification: Uncertain significance for Cardiomyopathy. Last evaluated: 2025-09-08. Review status: criteria provided, single submitter. Criteria: ACMG Guidelines, 2015. Collection method: clinical testing. Allele origin: germline.
Comment: This variant causes a G to A nucleotide substitution at the +3 position of intron 6 of the PKP2 gene. To our knowledge, functional studies have not been reported for this variant. This variant has not been reported in individuals affected with PKP2-related disorders in the literature. This variant has not been identified in the general population by the Genome Aggregation Database (gnomAD). The available evidence is insufficient to determine the role of this variant in disease conclusively. Therefore, this variant is classified as a Variant of Uncertain Significance.